The following is an entry in ClinVar:

ClinVar aggregate classification (germline): Uncertain significance. Review status: criteria provided, multiple submitters, no conflicts (2 of 4 stars). 2 submissions from 2 submitters: Uncertain significance (2). Last evaluated 2025-10-07.

Conditions:
Inborn genetic diseases. Identifiers: MedGen C0950123, MeSH D030342.
Intellectual developmental disorder, autosomal dominant 64. Also called: MENTAL RETARDATION, AUTOSOMAL DOMINANT 64. Identifiers: MedGen C5543067, MONDO:0030934, OMIM 619188.

Allele frequency attached by ClinVar (database versions not stated): ExAC 0.00001; gnomAD 0.00001; TOPMed 0.00002.
gnomAD v4.1: 18 of 1,613,554 alleles (0.0011%); highest among the groups gnomAD compares: Non-Finnish European, 0.0013%; no homozygotes.

Submissions (2):

Dasa
Classification: Uncertain significance for Intellectual developmental disorder, autosomal dominant 64. Last evaluated: 2025-10-07. Review status: criteria provided, single submitter. Criteria: DASA Assertion Criteria. Collection method: clinical testing. Allele origin: germline.
Comment: NM_015021.3(ZNF292):c.2936A>G (p.Asn979Ser) is a missense variant that results in the substitution of asparagine with serine. This variant is rare in population databases. Computational prediction algorithms are consistent with a benign effect. The currently available literature and clinical evidence are not sufficient to establish a definitive association between this variant and the reported condition. Therefore, this variant is classified as a variant of uncertain significance.

Ambry Genetics
Classification: Uncertain significance for Inborn genetic diseases. Last evaluated: 2025-08-26. Review status: criteria provided, single submitter. Criteria: Ambry Variant Classification Scheme 2023. Collection method: clinical testing. Allele origin: germline.

NM_015021.3(ZNF292):c.2936A>G (p.Asn979Ser)

Gene: ZNF292 (zinc finger protein 292; plus strand). Cytogenetic location: 6q14.3.
Variant type: single nucleotide variant.
Coding change: c.2936A>G on transcript NM_015021.3 (MANE Select); coding-DNA position 2936, A replaced by G.
Protein change: p.Asn979Ser; replaces asparagine 979 with serine.
Molecular consequence: missense variant.
Genome position (GRCh38, 1-based): chr6:87,256,565, A>G. VCF-style: chr6-87256565-A-G. GRCh37 (hg19) VCF-style: chr6-87966283-A-G.
Other names: c.2516A>G, p.Asn839Ser (NM_001351444.2); short protein forms N979S, N839S.
Identifiers: ClinVar variation 2523527 (VCV002523527.5), dbSNP rs773606116, ClinGen allele CA3914036.